The following is an entry in ClinVar:

ClinVar aggregate classification (germline): Uncertain significance (1 of 4 stars; one submission).

Allele frequency attached by ClinVar (database versions not stated): TOPMed below 0.00001.
gnomAD v4.1: 1 of 1,063,432 alleles (0.000094%); no homozygotes.

Submission:

Labcorp Genetics (formerly Invitae), Labcorp
Classification: Uncertain significance. Last evaluated: 2022-07-12. Review status: criteria provided, single submitter. Criteria: Invitae Variant Classification Sherloc (09022015). Collection method: clinical testing. Allele origin: germline.
Comment: In summary, the available evidence is currently insufficient to determine the role of this variant in disease. Therefore, it has been classified as a Variant of Uncertain Significance. Algorithms developed to predict the effect of missense changes on protein structure and function are either unavailable or do not agree on the potential impact of this missense change (SIFT: "Tolerated"; PolyPhen-2: "Not Available"; Align-GVGD: "Class C0"). ClinVar contains an entry for this variant (Variation ID: 1367842). This variant has not been reported in the literature in individuals affected with ADGRA3-related conditions. The frequency data for this variant in the population databases is considered unreliable, as metrics indicate insufficient coverage at this position in the gnomAD database. This sequence change replaces alanine, which is neutral and non-polar, with serine, which is neutral and polar, at codon 23 of the ADGRA3 protein (p.Ala23Ser).

NM_145290.4(ADGRA3):c.67G>T (p.Ala23Ser)

Gene: ADGRA3 (adhesion G protein-coupled receptor A3; minus strand). Cytogenetic location: 4p15.2.
Variant type: single nucleotide variant.
Coding change: c.67G>T on transcript NM_145290.4 (MANE Select); coding-DNA position 67, G replaced by T.
Protein change: p.Ala23Ser; replaces alanine 23 with serine.
Molecular consequence: missense variant.
Genome position (GRCh38, 1-based): chr4:22,515,718, C>A on the plus strand (G>T on the coding strand, the complement: ADGRA3 is on the minus strand). VCF-style: chr4-22515718-C-A. GRCh37 (hg19) VCF-style: chr4-22517341-C-A.
Other names: short protein forms A23S.
Identifiers: ClinVar variation 1367842 (VCV001367842.8), dbSNP rs1719640487, ClinGen allele CA356507912.